The following is an entry in ClinVar:

NM_000191.3(HMGCL):c.244G>A (p.Val82Ile)

Gene: HMGCL (3-hydroxy-3-methylglutaryl-CoA lyase; minus strand). Cytogenetic location: 1p36.11.
Variant type: single nucleotide variant.
Coding change: c.244G>A on transcript NM_000191.3 (MANE Select); coding-DNA position 244, G replaced by A.
Protein change: p.Val82Ile; replaces valine 82 with isoleucine.
Molecular consequence: missense variant.
Genome position (GRCh38, 1-based): chr1:23,817,484, C>T on the plus strand (G>A on the coding strand, the complement: HMGCL is on the minus strand). VCF-style: chr1-23817484-C-T. GRCh37 (hg19) VCF-style: chr1-24143974-C-T.
Other names: c.244G>A, p.Val82Ile (NM_001166059.2); short protein forms V82I.
Identifiers: ClinVar variation 449273 (VCV000449273.8), dbSNP rs538620811, ClinGen allele CA686158.

ClinVar aggregate classification (germline): Uncertain significance. Review status: criteria provided, multiple submitters, no conflicts (2 of 4 stars). 5 submissions from 5 submitters: Uncertain significance (3). 2 of the submissions do not count toward it. Last evaluated 2023-04-11.

Conditions:
Long chain 3-hydroxyacyl-CoA dehydrogenase deficiency. Also called: LCHAD Deficiency; Deficiency of long-chain 3-hydroxyacyl-coenzyme A dehydrogenase. Identifiers: Orphanet 5, MedGen C3711645, MONDO:0012173, OMIM 609016.
HMGCL-related disorder. Also called: HMGCL-related condition.
Deficiency of hydroxymethylglutaryl-CoA lyase (HMGCLD). Also called: Defect in leucine metabolism; 3-hydroxy-3-methylglutaric aciduria; HMGCL DEFICIENCY; HYDROXYMETHYLGLUTARIC ACIDURIA; HMG-CoA LYASE DEFICIENCY. Identifiers: Orphanet 20, MedGen C1533587, MONDO:0009520, OMIM 246450.

Allele frequency attached by ClinVar (database versions not stated): gnomAD 0.00007 and 0.00013; gnomAD exomes 0.00014 and 0.00039; TOPMed 0.00021; ExAC 0.00039; 1000 Genomes Project 30x 0.00047; 1000 Genomes Project 0.00060.
gnomAD v4.1: 227 of 1,604,220 alleles (0.014%); highest among the groups gnomAD compares: South Asian, 0.17%; 2 homozygotes.

Submissions (5):

Genome-Nilou Lab
Classification: Uncertain significance for Deficiency of hydroxymethylglutaryl-CoA lyase. Last evaluated: 2023-04-11. Review status: criteria provided, single submitter. Criteria: ACMG Guidelines, 2015. Collection method: clinical testing. Allele origin: germline. Affected: no.

Labcorp Genetics (formerly Invitae), Labcorp
Classification: Uncertain significance for Deficiency of hydroxymethylglutaryl-CoA lyase. Last evaluated: 2022-08-18. Review status: criteria provided, single submitter. Criteria: Invitae Variant Classification Sherloc (09022015). Collection method: clinical testing. Allele origin: germline.
Comment: This sequence change replaces valine, which is neutral and non-polar, with isoleucine, which is neutral and non-polar, at codon 82 of the HMGCL protein (p.Val82Ile). This variant is present in population databases (rs538620811, gnomAD 0.2%), including at least one homozygous and/or hemizygous individual. This variant has not been reported in the literature in individuals affected with HMGCL-related conditions. ClinVar contains an entry for this variant (Variation ID: 449273). Algorithms developed to predict the effect of missense changes on protein structure and function (SIFT, PolyPhen-2, Align-GVGD) all suggest that this variant is likely to be disruptive. In summary, the available evidence is currently insufficient to determine the role of this variant in disease. Therefore, it has been classified as a Variant of Uncertain Significance.

GeneDx
Classification: Uncertain significance. Last evaluated: 2019-01-21. Review status: criteria provided, single submitter. Criteria: GeneDx Variant Classification (06012015). Collection method: clinical testing. Allele origin: germline. Affected: yes.
Comment: The V82I variant in the HMGCL gene has not been reported previously as a pathogenic variant, nor as a benign variant, to our knowledge. This variant is observed in 31/16496 (0.188%) alleles from individuals of South Asian background, in the ExAC dataset (Lek et al., 2016). The V82I variant is a conservative amino acid substitution, which is not likely to impact secondary protein structure as these residues share similar properties. This substitution occurs at a position that is conserved across species. In silico analysis is inconsistent in its predictions as to whether or not the variant is damaging to the protein structure/function. Based on currently available evidence, we interpret V82I as a variant of uncertain significance.

PreventionGenetics, part of Exact Sciences
Classification: Likely benign for HMGCL-related condition. Last evaluated: 2022-04-15. Review status: no assertion criteria provided. Collection method: clinical testing. Allele origin: germline. Not counted in ClinVar's aggregate classification.
Comment: This variant is classified as likely benign based on ACMG/AMP sequence variant interpretation guidelines (Richards et al. 2015 PMID: 25741868, with internal and published modifications).

Natera, Inc.
Classification: Benign for Deficiency of long-chain 3-hydroxyacyl-coenzyme A dehydrogenase. Last evaluated: 2019-10-28. Review status: no assertion criteria provided. Collection method: clinical testing. Allele origin: germline. Not counted in ClinVar's aggregate classification.